The following is an entry in ClinVar:

ClinVar aggregate classification (germline): Pathogenic (1 of 4 stars; one submission).

Conditions:
Amyotrophic lateral sclerosis type 4 (ALS4). Also called: AMYOTROPHIC LATERAL SCLEROSIS 4, JUVENILE; NEURONOPATHY, DISTAL HEREDITARY MOTOR, WITH PYRAMIDAL FEATURES. Identifiers: Orphanet 357043, MedGen C1865409, MONDO:0011223, OMIM 602433.
Spinocerebellar ataxia, autosomal recessive, with axonal neuropathy 2 (SCAN2). Also called: Ataxia-ocular apraxia-2; ATAXIA-OCULOMOTOR APRAXIA 2; Ataxia with Oculomotor Apraxia; Ataxia with Oculomotor Apraxia Type 2. Identifiers: Orphanet 64753, MedGen C1853761, MONDO:0018996, OMIM 606002.

Submission:

Labcorp Genetics (formerly Invitae), Labcorp
Classification: Pathogenic for Amyotrophic lateral sclerosis type 4; Spinocerebellar ataxia, autosomal recessive, with axonal neuropathy 2. Last evaluated: 2023-11-24. Review status: criteria provided, single submitter. Criteria: Invitae Variant Classification Sherloc (09022015). Collection method: clinical testing. Allele origin: unknown.
Comment: This variant is a gross deletion of the genomic region encompassing exon(s) 3-10 of the SETX gene, which includes the initiator codon. This deletion extends beyond the assayed region for this gene and therefore may encompass additional genes. It is expected to result in an absent or disrupted protein product. Loss-of-function variants in SETX are known to be pathogenic (PMID: 14770181). This variant has not been reported in the literature in individuals affected with SETX-related conditions. For these reasons, this variant has been classified as Pathogenic.

Literature cited by the submitters: PubMed 14770181.

NC_000009.11:g.(?_135201691)_(135224815_?)del

Gene: SETX (senataxin; minus strand). Cytogenetic location: 9q34.13.
Variant type: Deletion.
Identifiers: ClinVar variation 3245203 (VCV003245203.1).